The following is an entry in ClinVar:

NM_006415.4(SPTLC1):c.*490A>G

Gene: SPTLC1 (serine palmitoyltransferase long chain base subunit 1; minus strand). Cytogenetic location: 9q22.31.
Variant type: single nucleotide variant.
Coding change: c.*490A>G on transcript NM_006415.4 (MANE Select); 490 bases downstream of the stop codon, A replaced by G.
Molecular consequence: 3 prime UTR variant.
Genome position (GRCh38, 1-based): chr9:92,031,975, T>C on the plus strand (A>G on the coding strand, the complement: SPTLC1 is on the minus strand). VCF-style: chr9-92031975-T-C. GRCh37 (hg19) VCF-style: chr9-94794257-T-C.
Other names: c.*338A>G (NM_001281303.2); c.*490A>G (NM_001368272.1, NM_001368273.1).
Identifiers: ClinVar variation 913420 (VCV000913420.4), dbSNP rs115637483, ClinGen allele CA15596705.

ClinVar aggregate classification (germline): Benign (1 of 4 stars; one submission).

Conditions:
Neuropathy, hereditary sensory and autonomic, type 1A (HSAN1A). Also called: HSAN IA; HSN IA; NEUROPATHY, HEREDITARY SENSORY RADICULAR, AUTOSOMAL DOMINANT, TYPE 1A; NEUROPATHY, HEREDITARY SENSORY AND AUTONOMIC, TYPE IA; SPTLC1-Related Hereditary Sensory Neuropathy. Identifiers: MedGen C5235211, MONDO:0008086, OMIM 162400.

Allele frequency attached by ClinVar (database versions not stated): gnomAD exomes 0.00100; gnomAD 0.00734 and 0.00786; TOPMed 0.00811; 1000 Genomes Project 0.00819; 1000 Genomes Project 30x 0.00843.
gnomAD v4.1: 1,261 of 284,266 alleles (0.44%); highest among the groups gnomAD compares: African/African-American, 2.5%; 10 homozygotes.

Submission:

Illumina Laboratory Services, Illumina
Classification: Benign for Neuropathy, hereditary sensory and autonomic, type 1A. Last evaluated: 2018-01-13. Review status: criteria provided, single submitter. Criteria: ICSL Variant Classification Criteria 13 December 2019. Collection method: clinical testing. Allele origin: germline.
Comment: This variant was observed in the ICSL laboratory as part of a predisposition screen in an ostensibly healthy population. It had not been previously curated by ICSL or reported in the Human Gene Mutation Database (HGMD: prior to June 1st, 2018), and was therefore a candidate for classification through an automated scoring system. Utilizing variant allele frequency, disease prevalence and penetrance estimates, and inheritance mode, an automated score was calculated to assess if this variant is too frequent to cause the disease. Based on the score and internal cut-off values, a variant classified as benign is not then subjected to further curation. The score for this variant resulted in a classification of benign for this disease.